The following is an entry in ClinVar:

ClinVar aggregate classification (germline): Likely benign (1 of 4 stars; one submission).

Allele frequency attached by ClinVar (database versions not stated): 1000 Genomes Project 0.00100; 1000 Genomes Project 30x 0.00125; TOPMed 0.00013; ExAC 0.00017; gnomAD exomes 0.00008; gnomAD 0.00010.
gnomAD v4.1: 122 of 1,612,774 alleles (0.0076%); highest among the groups gnomAD compares: Admixed American, 0.18%; no homozygotes.

Submission:

CeGaT Center for Human Genetics Tuebingen
Classification: Likely benign. Last evaluated: 2022-07-01. Review status: criteria provided, single submitter. Criteria: CeGaT Center For Human Genetics Tuebingen Variant Classification Criteria Version 2. Collection method: clinical testing. Allele origin: germline. Affected: yes. Observed: 1 variant allele.
Comment: MUC5B: BP4, BP7

NM_002458.3(MUC5B):c.9213C>T (p.Ser3071=)

Genes: MUC5B (mucin 5B, oligomeric mucus/gel-forming; plus strand), MUC5B-AS1 (MUC5B antisense RNA 1; minus strand). Cytogenetic location: 11p15.5.
Variant type: single nucleotide variant.
Coding change: c.9213C>T on transcript NM_002458.3 (MANE Select); coding-DNA position 9213, C replaced by T.
Protein change: p.Ser3071=; no amino-acid change (serine 3071 retained).
Molecular consequence: synonymous variant.
Genome position (GRCh38, 1-based): chr11:1,246,093, C>T. VCF-style: chr11-1246093-C-T. GRCh37 (hg19) VCF-style: chr11-1267323-C-T.
Identifiers: ClinVar variation 2641251 (VCV002641251.24), dbSNP rs557536313, ClinGen allele CA5806895.